The following is an entry in ClinVar:

ClinVar aggregate classification (germline): Pathogenic. Review status: criteria provided, single submitter (1 of 4 stars). 2 submissions from 2 submitters: Pathogenic (1). 1 of the submissions does not count toward it. Last evaluated 2025-01-06.

Conditions:
Facioscapulohumeral muscular dystrophy 2 (FSHD2). Also called: MUSCULAR DYSTROPHY, FACIOSCAPULOHUMERAL, TYPE 1B; FACIOSCAPULOHUMERAL MUSCULAR DYSTROPHY 2, DIGENIC; FSHD2, DIGENIC. Identifiers: Orphanet 269, MedGen C1834671, MONDO:0008031, OMIM 158901.

Submissions (2):

Labcorp Genetics (formerly Invitae), Labcorp
Classification: Pathogenic for Facioscapulohumeral muscular dystrophy 2. Last evaluated: 2025-01-06. Review status: criteria provided, single submitter. Criteria: Invitae Variant Classification Sherloc (09022015). Collection method: clinical testing. Allele origin: germline.
Comment: This sequence change creates a premature translational stop signal (p.Tyr434*) in the SMCHD1 gene. It is expected to result in an absent or disrupted protein product. Loss-of-function variants in SMCHD1 are known to be pathogenic (PMID: 23143600). This variant is not present in population databases (gnomAD no frequency). This premature translational stop signal has been observed in individual(s) with SMCHD1-related conditions (PMID: 23143600). ClinVar contains an entry for this variant (Variation ID: 39855). For these reasons, this variant has been classified as Pathogenic.

OMIM
Classification: Pathogenic for FACIOSCAPULOHUMERAL MUSCULAR DYSTROPHY 2, DIGENIC. Last evaluated: 2012-12-01. Review status: no assertion criteria provided. Collection method: literature only. Allele origin: germline. Not counted in ClinVar's aggregate classification.

Literature cited by the submitters: PubMed 23143600 (cited by Labcorp Genetics (formerly Invitae), Labcorp and OMIM).

NM_015295.3(SMCHD1):c.1302_1306del (p.Tyr434_Arg436delinsTer)

Gene: SMCHD1 (structural maintenance of chromosomes flexible hinge domain containing 1; plus strand). Cytogenetic location: 18p11.32.
Variant type: Deletion.
Coding change: c.1302_1306del on transcript NM_015295.3 (MANE Select); coding-DNA positions 1302 to 1306, 5 bases deleted (TGATA; older notation c.1302_1306delTGATA).
Protein change: p.Tyr434_Arg436delinsTer.
Molecular consequence: nonsense.
Genome position (GRCh38, 1-based): chr18:2,698,001-2,698,005, TGATA deleted; deleting any 5 consecutive bases within chr18:2,697,998-2,698,005 gives the same sequence; the c. name uses the placement nearest the transcript's 3' end. VCF-style (leftmost placement, unchanged base first): chr18-2697997-TATATG-T. GRCh37 (hg19) VCF-style: chr18-2697995-TATATG-T.
Identifiers: ClinVar variation 39855 (VCV000039855.3), dbSNP rs387907319, ClinGen allele CA261230.